The following is an entry in ClinVar:

NM_000208.4(INSR):c.2243C>T (p.Ser748Leu)

Gene: INSR (insulin receptor; minus strand). Cytogenetic location: 19p13.2.
Variant type: single nucleotide variant.
Coding change: c.2243C>T on transcript NM_000208.4 (MANE Select); coding-DNA position 2243, C replaced by T.
Protein change: p.Ser748Leu; replaces serine 748 with leucine.
Molecular consequence: missense variant. On other transcripts: intron variant (1).
Genome position (GRCh38, 1-based): chr19:7,150,521, G>A on the plus strand (C>T on the coding strand, the complement: INSR is on the minus strand). VCF-style: chr19-7150521-G-A. GRCh37 (hg19) VCF-style: chr19-7150532-G-A.
Other names: c.2231+2205C>T (NM_001079817.3); short protein forms S748L.
Identifiers: ClinVar variation 211190 (VCV000211190.29), dbSNP rs143523271, ClinGen allele CA205599.
Genomic context (GRCh38, chr19:7,150,521, plus strand): 5'-GGAGCAGGCACCAGGGGTCGCACAGGTGAGTCATACCTAGGGTCCTCGGCACCAGTGCCT[G>A]AAGAGGTTTTTCTGTGGAAACAAAACCAACGCCTTTGAGGACAGAGGGAACTTCATTAGA-3'
Protein context (NP_000199.2, residues 738-758): NVVFVPRKTS[Ser748Leu]GTGAEDPRPS

ClinVar aggregate classification (germline): Conflicting classifications of pathogenicity. Review status: criteria provided, conflicting classifications (1 of 4 stars). 16 submissions from 14 submitters: Uncertain significance (7); Likely benign (5). 4 of the submissions do not count toward it. Last evaluated 2025-10-26.

Conditions:
INSR-related disorder.
Monogenic diabetes. Identifiers: Orphanet 183625, MedGen C3888631, MONDO:0015967.
Inborn genetic diseases. Identifiers: MedGen C0950123, MeSH D030342.
Rabson-Mendenhall syndrome. Also called: Pineal hyperplasia AND diabetes mellitus syndrome; Pineal Hyperplasia, Insulin-Resistant Diabetes Mellitus, and Somatic Abnormalities; MENDENHALL SYNDROME. Identifiers: Orphanet 769, MedGen C0271695, MONDO:0009874, OMIM 262190.
Leprechaunism syndrome. Also called: Donohue syndrome; LEPRECHAUNISM. Identifiers: Orphanet 508, MedGen C0265344, MONDO:0009517, OMIM 246200.
Hyperinsulinism due to INSR deficiency. Also called: Hyperinsulinism due to glutamodehydrogenase deficiency. Identifiers: Orphanet 263458, MedGen C1864952, MONDO:0012381, OMIM 609968.
Insulin-resistant diabetes mellitus AND acanthosis nigricans. Also called: type A insulin resistance; DIABETES MELLITUS, INSULIN-RESISTANT, WITH ACANTHOSIS NIGRICANS, TYPE A; Insulin-resistance syndrome type A; INSULIN RECEPTOR, DEFECT IN, WITH INSULIN-RESISTANT DIABETES MELLITUS AND ACANTHOSIS NIGRICANS; IRAN, TYPE A. Identifiers: Orphanet 2297, MedGen C0342278, MONDO:0012520, OMIM 610549.

Allele frequency attached by ClinVar (database versions not stated): ExAC 0.00070; gnomAD exomes 0.00080 and 0.00195; ESP Exome Variant Server 0.00100; TOPMed 0.00110; gnomAD 0.00113 and 0.00116.
gnomAD v4.1: 2,953 of 1,614,056 alleles (0.18%); highest among the groups gnomAD compares: Non-Finnish European, 0.24%; 8 homozygotes.

Submissions (16):

Clinical Genomics Laboratory, Washington University in St. Louis
Classification: Uncertain significance for Insulin-resistant diabetes mellitus AND acanthosis nigricans; Rabson-Mendenhall syndrome; Leprechaunism syndrome; Hyperinsulinism due to INSR deficiency. Last evaluated: 2025-10-26. Review status: criteria provided, single submitter. Criteria: ACMG Guidelines, 2015. Collection method: clinical testing. Allele origin: germline.
Comment: An INSR c.2243C>T (p.Ser748Leu) variant was identified in a heterozygous state. It has also been reported in one individual affected with multiple myeloma (Hucthagowder V et al., PMID: 22939401). The INSR c.2243C>T (p.Ser748Leu) variant has been reported in the ClinVar database as either a variant of uncertain significance or a likely benign variant by several submitters (Variation ID: 211190). It is observed in 2,953/1,614,056 alleles in the general population (gnomAD v4.1.0). Computational predictors suggest that the variant does not impact INSR function. Due to conflciting information, and based on ACMG/AMP guidelines for variant interpretation (Richards S et al., PMID: 25741868), the clinical significance of this variant is uncertain at this time.

Labcorp Genetics (formerly Invitae), Labcorp
Classification: Likely benign. Last evaluated: 2025-03-27. Review status: criteria provided, single submitter. Criteria: Invitae Variant Classification Sherloc (09022015). Collection method: clinical testing. Allele origin: germline.

Blueprint Genetics
Classification: Likely benign. Last evaluated: 2024-10-31. Review status: criteria provided, single submitter. Criteria: ACMG Guidelines, 2015. Collection method: clinical testing. Allele origin: germline.

Ambry Genetics
Classification: Likely benign for Inborn genetic diseases. Last evaluated: 2021-10-09. Review status: criteria provided, single submitter. Criteria: Ambry Variant Classification Scheme 2023. Collection method: clinical testing. Allele origin: germline.

GeneDx
Classification: Uncertain significance. Last evaluated: 2020-05-18. Review status: criteria provided, single submitter. Criteria: GeneDx Variant Classification Process June 2021. Collection method: clinical testing. Allele origin: germline. Affected: yes.
Comment: In silico analysis supports that this missense variant does not alter protein structure/function; This variant is associated with the following publications: (PMID: 28093873, 22939401)

Mendelics
Classification: Likely benign for Insulin-resistant diabetes mellitus AND acanthosis nigricans. Last evaluated: 2019-05-28. Review status: criteria provided, single submitter. Criteria: Mendelics Assertion Criteria 2017. Collection method: clinical testing. Allele origin: unknown.

Illumina Laboratory Services, Illumina
Classification: Uncertain significance for Insulin-resistant diabetes mellitus AND acanthosis nigricans. Last evaluated: 2018-01-12. Review status: criteria provided, single submitter. Criteria: ICSL Variant Classification Criteria 13 December 2019. Collection method: clinical testing. Allele origin: germline.

Illumina Laboratory Services, Illumina
Classification: Uncertain significance for Leprechaunism syndrome. Last evaluated: 2018-01-12. Review status: criteria provided, single submitter. Criteria: ICSL Variant Classification Criteria 13 December 2019. Collection method: clinical testing. Allele origin: germline.

Illumina Laboratory Services, Illumina
Classification: Uncertain significance for Rabson-Mendenhall syndrome. Last evaluated: 2018-01-12. Review status: criteria provided, single submitter. Criteria: ICSL Variant Classification Criteria 13 December 2019. Collection method: clinical testing. Allele origin: germline.

Eurofins Ntd Llc (ga)
Classification: Uncertain significance. Last evaluated: 2017-07-18. Review status: criteria provided, single submitter. Criteria: EGL Classification Definitions 2015. Collection method: clinical testing. Allele origin: germline. Observed: 5 variant alleles, 5 heterozygotes.

Personalized Diabetes Medicine Program, University of Maryland School of Medicine
Classification: Likely benign for Monogenic diabetes. Last evaluated: 2017-03-24. Review status: criteria provided, single submitter. Criteria: ACMG Guidelines, 2015. Collection method: research. Allele origin: unknown. Observed: 2 variant alleles, 2 heterozygotes. Study: Personalized Diabetes Medicine Program.
Comment: ACMG Criteria:BS2 (6 controls in T2DM), PP3 (2 predictors), BP4 (6 predictors)

Genetic Services Laboratory, University of Chicago
Classification: Uncertain significance. Last evaluated: 2015-06-12. Review status: criteria provided, single submitter. Criteria: ACMG Guidelines, 2015. Collection method: clinical testing. Allele origin: germline.

PreventionGenetics, part of Exact Sciences
Classification: Likely benign for INSR-related condition. Last evaluated: 2022-02-07. Review status: no assertion criteria provided. Collection method: clinical testing. Allele origin: germline. Not counted in ClinVar's aggregate classification.
Comment: This variant is classified as likely benign based on ACMG/AMP sequence variant interpretation guidelines (Richards et al. 2015 PMID: 25741868, with internal and published modifications).

Clinical Genetics DNA and cytogenetics Diagnostics Lab, Erasmus MC, Erasmus Medical Center
Classification: Likely benign. Review status: no assertion criteria provided. Collection method: clinical testing. Allele origin: germline. Affected: yes. Study: VKGL Data-share Consensus. Not counted in ClinVar's aggregate classification.

Genome Diagnostics Laboratory, University Medical Center Utrecht
Classification: Likely benign. Review status: no assertion criteria provided. Collection method: clinical testing. Allele origin: germline. Affected: yes. Study: VKGL Data-share Consensus. Not counted in ClinVar's aggregate classification.

Laboratory of Diagnostic Genome Analysis, Leiden University Medical Center (LUMC)
Classification: Likely benign. Review status: no assertion criteria provided. Collection method: clinical testing. Allele origin: germline. Affected: yes. Study: VKGL Data-share Consensus. Not counted in ClinVar's aggregate classification.

Literature cited by the submitters: uncertain (cited by Clinical Genomics Laboratory, Washington University in St. Louis).